The following is an entry in ClinVar:

ClinVar aggregate classification (germline): Uncertain significance. Review status: criteria provided, single submitter (1 of 4 stars). 2 submissions from 2 submitters: Uncertain significance (1). 1 of the submissions does not count toward it. Last evaluated 2021-11-29.

Conditions:
SEMA3C-related disorder. Also called: SEMA3C-related condition.

Allele frequency attached by ClinVar (database versions not stated): ESP Exome Variant Server 0.00008; TOPMed 0.00008; gnomAD exomes 0.00001; ExAC 0.00002; gnomAD 0.00005.
gnomAD v4.1: 19 of 1,612,336 alleles (0.0012%); highest among the groups gnomAD compares: African/African-American, 0.013%; no homozygotes.

Submissions (2):

Revvity Omics, Revvity
Classification: Uncertain significance. Last evaluated: 2021-11-29. Review status: criteria provided, single submitter. Criteria: ACMG Guidelines, 2015. Collection method: clinical testing. Allele origin: germline.

PreventionGenetics, part of Exact Sciences
Classification: Uncertain significance for SEMA3C-related condition. Last evaluated: 2024-05-12. Review status: no assertion criteria provided. Collection method: clinical testing. Allele origin: germline. Not counted in ClinVar's aggregate classification.
Comment: The SEMA3C c.1402G>A variant is predicted to result in the amino acid substitution p.Gly468Arg. To our knowledge, this variant has not been reported in the literature. This variant is reported in 0.0080% of alleles in individuals of African descent in gnomAD. At this time, the clinical significance of this variant is uncertain due to the absence of conclusive functional and genetic evidence.

NM_006379.5(SEMA3C):c.1348G>A (p.Gly450Arg)

Gene: SEMA3C (semaphorin 3C; minus strand). Cytogenetic location: 7q21.11.
Variant type: single nucleotide variant.
Coding change: c.1348G>A on transcript NM_006379.5 (MANE Select); coding-DNA position 1348, G replaced by A.
Protein change: p.Gly450Arg; replaces glycine 450 with arginine.
Molecular consequence: missense variant.
Genome position (GRCh38, 1-based): chr7:80,789,312, C>T on the plus strand (G>A on the coding strand, the complement: SEMA3C is on the minus strand). VCF-style: chr7-80789312-C-T. GRCh37 (hg19) VCF-style: chr7-80418628-C-T.
Other names: c.1402G>A, p.Gly468Arg (NM_001350120.2); c.1174G>A, p.Gly392Arg (NM_001350121.2); c.1402G>A (NM_001350120.1); short protein forms G392R, G450R, G468R.
Identifiers: ClinVar variation 2689939 (VCV002689939.3), dbSNP rs367759300, ClinGen allele CA4316151.